The following is an entry in ClinVar:

NM_005751.5(AKAP9):c.1888C>A (p.Leu630Ile)

Gene: AKAP9 (A-kinase anchoring protein 9; plus strand). Cytogenetic location: 7q21.2.
Variant type: single nucleotide variant.
Coding change: c.1888C>A on transcript NM_005751.5 (MANE Select); coding-DNA position 1888, C replaced by A.
Protein change: p.Leu630Ile; replaces leucine 630 with isoleucine.
Molecular consequence: missense variant.
Genome position (GRCh38, 1-based): chr7:92,001,805, C>A. VCF-style: chr7-92001805-C-A. GRCh37 (hg19) VCF-style: chr7-91631119-C-A.
Other names: c.1888C>A, p.Leu630Ile (NM_147185.3); short protein forms L630I.
Identifiers: ClinVar variation 4034016 (VCV004034016.1).

ClinVar aggregate classification (germline): Uncertain significance (1 of 4 stars; one submission).

Conditions:
Cardiovascular phenotype. Identifiers: MedGen CN230736.

gnomAD v4.1: 2 of 1,613,404 alleles (0.00012%); highest among the groups gnomAD compares: Non-Finnish European, 0.00017%; no homozygotes.

Submission:

Ambry Genetics
Classification: Uncertain significance for Cardiovascular phenotype. Last evaluated: 2025-05-15. Review status: criteria provided, single submitter. Criteria: Ambry Variant Classification Scheme 2023. Collection method: clinical testing. Allele origin: germline.
Comment: The p.L630I variant (also known as c.1888C>A), located in coding exon 8 of the AKAP9 gene, results from a C to A substitution at nucleotide position 1888. The leucine at codon 630 is replaced by isoleucine, an amino acid with highly similar properties. This amino acid position is conserved. In addition, this alteration is predicted to be tolerated by in silico analysis. Based on the available evidence, the clinical significance of this variant remains unclear.